The following is an entry in ClinVar:

NM_024675.4(PALB2):c.1824dup (p.Ile609fs)

Gene: PALB2 (partner and localizer of BRCA2; minus strand). Cytogenetic location: 16p12.2.
Variant type: Duplication.
Coding change: c.1824dup on transcript NM_024675.4 (MANE Select); coding-DNA position 1824, one base duplicated (T; older notation c.1824dupT).
Protein change: p.Ile609fs; shifts the reading frame from isoleucine 609.
Molecular consequence: frameshift variant.
Genome position (GRCh38, 1-based): chr16:23,630,330, A duplicated on the plus strand (T on the coding strand, the reverse complement: PALB2 is on the minus strand). VCF-style (leftmost placement, unchanged base first): chr16-23630329-T-TA. GRCh37 (hg19) VCF-style: chr16-23641650-T-TA.
Other names: short protein forms I609fs.
Identifiers: ClinVar variation 963575 (VCV000963575.9), dbSNP rs1966865368, ClinGen allele CA1139664600.
Genomic context (GRCh38, chr16:23,630,329, plus strand): 5'-ACTTCACTTTTTCAAGCTTAAGAGGTCCAAAGTCTTCATCAGGTAACTGAAAGTCTGTGA[T>TA]ACTGAGAAAAGACAGTAGTTGCTTTAAACTCAGCATTCCATCCCTATGAAATGGAGCCGT-3'

ClinVar aggregate classification (germline): Pathogenic. Review status: criteria provided, multiple submitters, no conflicts (2 of 4 stars). 2 submissions from 2 submitters: Pathogenic (2). Last evaluated 2024-02-13.

Conditions:
Familial cancer of breast. Also called: BREAST CANCER, FAMILIAL; Hereditary breast cancer; hereditary breast carcinoma. Identifiers: Orphanet 227535, MedGen C0346153, MONDO:0016419, OMIM 114480. Disease mechanism: loss of function.

Submissions (2):

Myriad Genetics, Inc.
Classification: Pathogenic for Familial cancer of breast. Last evaluated: 2024-02-13. Review status: criteria provided, single submitter. Criteria: Myriad Autosomal Dominant, Autosomal Recessive and X-Linked Classification Criteria (2023). Collection method: clinical testing. Allele origin: unknown.
Comment: This variant is considered pathogenic. This variant creates a frameshift predicted to result in premature protein truncation.

Labcorp Genetics (formerly Invitae), Labcorp
Classification: Pathogenic for Familial cancer of breast. Last evaluated: 2019-11-11. Review status: criteria provided, single submitter. Criteria: Invitae Variant Classification Sherloc (09022015). Collection method: clinical testing. Allele origin: germline.
Comment: For these reasons, this variant has been classified as Pathogenic. Loss-of-function variants in PALB2 are known to be pathogenic (PMID: 17200668, 24136930, 25099575). This variant has not been reported in the literature in individuals with PALB2-related conditions. This variant is not present in population databases (ExAC no frequency). This sequence change creates a premature translational stop signal (p.Ile609Tyrfs*8) in the PALB2 gene. It is expected to result in an absent or disrupted protein product.

Literature cited by the submitters: PubMed 17200668 (cited by Labcorp Genetics (formerly Invitae), Labcorp); PubMed 24136930 (cited by Labcorp Genetics (formerly Invitae), Labcorp); PubMed 25099575 (cited by Labcorp Genetics (formerly Invitae), Labcorp).